The following is an entry in ClinVar:

NM_000218.3(KCNQ1):c.1514+26422T>C

Genes: KCNQ1 (potassium voltage-gated channel subfamily Q member 1; plus strand), KCNQ1OT1 (KCNQ1 opposite strand/antisense transcript 1; minus strand). Cytogenetic location: 11p15.5.
Variant type: single nucleotide variant.
Coding change: c.1514+26422T>C on transcript NM_000218.3 (MANE Select); 26422 bases into the intron after coding-DNA position 1514, T replaced by C.
Molecular consequence: intron variant. On other transcripts: non-coding transcript variant (1).
Genome position (GRCh38, 1-based): chr11:2,688,503, T>C. VCF-style: chr11-2688503-T-C. GRCh37 (hg19) VCF-style: chr11-2709733-T-C.
Other names: c.1244+26422T>C (NM_001406837.1); c.1418+26422T>C (NM_001406836.1); c.974+26422T>C (NM_001406838.1); c.1133+26422T>C (NM_181798.2).
Identifiers: ClinVar variation 3059817 (VCV003059817.2), dbSNP rs11023793, ClinGen allele CA13406523.

ClinVar aggregate classification (germline): Benign (0 of 4 stars; one submission).

Conditions:
KCNQ1-related disorder. Also called: KCNQ1-related condition; KCNQ1-related disorders. Identifiers: MedGen CN239322.

Allele frequency attached by ClinVar (database versions not stated): gnomAD exomes 0.22179; TOPMed 0.25921; gnomAD 0.26025; 1000 Genomes Project 30x 0.26952; 1000 Genomes Project 0.27196.
gnomAD v4.1: 94,820 of 398,490 alleles (24%); highest among the groups gnomAD compares: South Asian, 37%; 12,501 homozygotes.

Submission:

PreventionGenetics, part of Exact Sciences
Classification: Benign for KCNQ1-related condition. Last evaluated: 2019-04-08. Review status: no assertion criteria provided. Collection method: clinical testing. Allele origin: germline.
Comment: This variant is classified as benign based on ACMG/AMP sequence variant interpretation guidelines (Richards et al. 2015 PMID: 25741868, with internal and published modifications).